The following is an entry in ClinVar:

ClinVar aggregate classification (germline): Likely pathogenic (1 of 4 stars; one submission).

Conditions:
Dilated cardiomyopathy 1G (CMD1G). Identifiers: Orphanet 154, MedGen C1858763, MONDO:0011400, OMIM 604145.
Autosomal recessive limb-girdle muscular dystrophy type 2J (LGMDR10). Also called: MUSCULAR DYSTROPHY, LIMB-GIRDLE, AUTOSOMAL RECESSIVE 10; Limb-girdle muscular dystrophy, type 2J. Identifiers: Orphanet 140922, MedGen C1837342, MONDO:0012127, OMIM 608807.

gnomAD v4.1: 1 of 1,558,786 alleles (0.000064%); highest among the groups gnomAD compares: East Asian, 0.0024%; no homozygotes.

Submission:

Labcorp Genetics (formerly Invitae), Labcorp
Classification: Likely pathogenic for Dilated cardiomyopathy 1G; Autosomal recessive limb-girdle muscular dystrophy type 2J. Last evaluated: 2024-10-18. Review status: criteria provided, single submitter. Criteria: Invitae Variant Classification Sherloc (09022015). Collection method: clinical testing. Allele origin: germline.
Comment: This sequence change creates a premature translational stop signal (p.Glu8934*) in the TTN gene. While this is not anticipated to result in nonsense mediated decay, it is expected to create a truncated TTN protein. This variant is not present in population databases (gnomAD no frequency). This variant has not been reported in the literature in individuals affected with TTN-related conditions. ClinVar contains an entry for this variant (Variation ID: 2002996). This variant is located in the I band of TTN (PMID: 25589632). Truncating variants in this region have been reported in individuals affected with autosomal recessive centronuclear myopathy (PMID: 23975875, internal data). Truncating variants in this region have also been identified in individuals affected with autosomal dominant dilated cardiomyopathy and/or cardio-related conditions (PMID: 27869827, 32964742, internal data). In summary, the currently available evidence indicates that the variant is pathogenic, but additional data are needed to prove that conclusively. Therefore, this variant has been classified as Likely Pathogenic.

Literature cited by the submitters: PubMed 25589632; PubMed 23975875; PubMed 27869827; PubMed 32964742.

NM_001267550.2(TTN):c.26800G>T (p.Glu8934Ter)

Gene: TTN (titin; minus strand). Cytogenetic location: 2q31.2.
Variant type: single nucleotide variant.
Coding change: c.26800G>T on transcript NM_001267550.2 (MANE Select); coding-DNA position 26800, G replaced by T.
Protein change: p.Glu8934Ter; replaces glutamic acid 8934 with a stop codon.
Molecular consequence: nonsense. On other transcripts: intron variant (3).
Genome position (GRCh38, 1-based): chr2:178,713,334, C>A on the plus strand (G>T on the coding strand, the complement: TTN is on the minus strand). VCF-style: chr2-178713334-C-A. GRCh37 (hg19) VCF-style: chr2-179578061-C-A.
Other names: c.25849G>T, p.Glu8617Ter (NM_001256850.1); c.23068G>T, p.Glu7690Ter (NM_133378.4); c.13282+24748G>T (NM_003319.4); c.13858+24748G>T (NM_133437.4); c.13657+24748G>T (NM_133432.3); short protein forms E8617*, E7690*, E8934*.
Identifiers: ClinVar variation 2002996 (VCV002002996.4), dbSNP rs2076941615, ClinGen allele CA349461982.
Genomic context (GRCh38, chr2:178,713,334, plus strand): 5'-GAGGTGACCCATAGACTTTACACTCCATTACAACTGAGGAGCCGGATAGACCATTTGTCT[C>A]TTTCAATTTTCTTGTGAATGAAGGAGGAACGGTTCGGTCTGAATGATACAAAACAAAACA-3'